The following is an entry in ClinVar:

ClinVar aggregate classification (germline): Uncertain significance (1 of 4 stars; one submission).

Conditions:
SIM1-related disorder. Also called: SIM1-related disorders; SIM1-related condition.

Submission:

PreventionGenetics, part of Exact Sciences
Classification: Uncertain significance for SIM1-related condition. Last evaluated: 2024-12-02. Review status: criteria provided, single submitter. Criteria: ACMG Guidelines, 2015. Collection method: clinical testing. Allele origin: germline.
Comment: The SIM1 c.2237G>T variant is predicted to result in the amino acid substitution p.Arg746Met. To our knowledge, this variant has not been reported in the literature or in a large population database (gnomAD), indicating this variant is rare. At this time, the clinical significance of this variant is uncertain due to the absence of conclusive functional and genetic evidence.

NM_005068.3(SIM1):c.2237G>T (p.Arg746Met)

Gene: SIM1 (SIM bHLH transcription factor 1; minus strand). Cytogenetic location: 6q16.3.
Variant type: single nucleotide variant.
Coding change: c.2237G>T on transcript NM_005068.3 (MANE Select); coding-DNA position 2237, G replaced by T.
Protein change: p.Arg746Met; replaces arginine 746 with methionine.
Molecular consequence: missense variant.
Genome position (GRCh38, 1-based): chr6:100,390,425, C>A on the plus strand (G>T on the coding strand, the complement: SIM1 is on the minus strand). VCF-style: chr6-100390425-C-A. GRCh37 (hg19) VCF-style: chr6-100838301-C-A.
Other names: c.2237G>T, p.Arg746Met (NM_001374769.1); short protein forms R746M.
Identifiers: ClinVar variation 4998122 (VCV004998122.1).